The following is an entry in ClinVar:

ClinVar aggregate classification (germline): Uncertain significance (1 of 4 stars; one submission).

Conditions:
Inborn genetic diseases. Identifiers: MedGen C0950123, MeSH D030342.

gnomAD v4.1: 7 of 1,614,192 alleles (0.00043%); highest among the groups gnomAD compares: African/African-American, 0.0013%; no homozygotes.

Submission:

Ambry Genetics
Classification: Uncertain significance for Inborn genetic diseases. Last evaluated: 2025-02-05. Review status: criteria provided, single submitter. Criteria: Ambry Variant Classification Scheme 2023. Collection method: clinical testing. Allele origin: germline.
Comment: The p.Q1195R variant (also known as c.3584A>G), located in coding exon 13 of the ASXL1 gene, results from an A to G substitution at nucleotide position 3584. The glutamine at codon 1195 is replaced by arginine, an amino acid with highly similar properties. This amino acid position is conserved. In addition, this alteration is predicted to be tolerated by in silico analysis. Based on the available evidence, the clinical significance of this variant remains unclear.

NM_015338.6(ASXL1):c.3584A>G (p.Gln1195Arg)

Gene: ASXL1 (ASXL transcriptional regulator 1; plus strand). Cytogenetic location: 20q11.21.
Variant type: single nucleotide variant.
Coding change: c.3584A>G on transcript NM_015338.6 (MANE Select); coding-DNA position 3584, A replaced by G.
Protein change: p.Gln1195Arg; replaces glutamine 1195 with arginine.
Molecular consequence: missense variant.
Genome position (GRCh38, 1-based): chr20:32,436,296, A>G. VCF-style: chr20-32436296-A-G. GRCh37 (hg19) VCF-style: chr20-31024099-A-G.
Other names: c.3401A>G, p.Gln1134Arg (NM_001363734.1); short protein forms Q1195R, Q1134R.
Identifiers: ClinVar variation 3793214 (VCV003793214.1).